The following is an entry in ClinVar:

ClinVar aggregate classification (germline): Uncertain significance. Review status: criteria provided, multiple submitters, no conflicts (2 of 4 stars). 2 submissions from 2 submitters: Uncertain significance (2). Last evaluated 2018-06-18.

Conditions:
Factor H deficiency (CFHD). Also called: COMPLEMENT FACTOR H DEFICIENCY; CFH DEFICIENCY. Identifiers: Orphanet 200421, MedGen C0398777, MONDO:0012350, OMIM 609814.

Submissions (2):

Blueprint Genetics
Classification: Uncertain significance. Last evaluated: 2018-06-18. Review status: criteria provided, single submitter. Criteria: ACMG Guidelines, 2015. Collection method: clinical testing. Allele origin: germline.

Neuberg Centre For Genomic Medicine, NCGM
Classification: Uncertain significance for Factor H deficiency. Review status: criteria provided, single submitter. Criteria: ACMG Guidelines, 2015. Collection method: clinical testing. Allele origin: germline. Inheritance: Autosomal dominant inheritance. Affected: yes.
Comment: The observed missense variant c.2953A>G(p.Ile985Val) in the CFH gene has not been reported previously as a pathogenic variant nor as a benign variant, to our knowledge. This variant is absent in the gnomAD Exomes. The amino acid Ile at position 985 is changed to a Val changing protein sequence and it might alter its composition and physico-chemical properties. Multiple lines of computational evidence (Polyphen - Damaging, SIFT - Damaging and MutationTaster - Disease causing) predict a damaging effect on protein structure and function for this variant. The residue is conserved by GERP++ and PhyloP across 100 vertebrates. For these reasons, this variant has been classified as Uncertain Significance.

NM_000186.4(CFH):c.2953A>G (p.Ile985Val)

Gene: CFH (complement factor H; plus strand). Cytogenetic location: 1q31.3.
Variant type: single nucleotide variant.
Coding change: c.2953A>G on transcript NM_000186.4 (MANE Select); coding-DNA position 2953, A replaced by G.
Protein change: p.Ile985Val; replaces isoleucine 985 with valine.
Molecular consequence: missense variant.
Genome position (GRCh38, 1-based): chr1:196,740,789, A>G. VCF-style: chr1-196740789-A-G. GRCh37 (hg19) VCF-style: chr1-196709919-A-G.
Other names: short protein forms I985V.
Identifiers: ClinVar variation 3731510 (VCV003731510.2).